The following is an entry in ClinVar:

ClinVar aggregate classification (germline): Uncertain significance. Review status: criteria provided, multiple submitters, no conflicts (2 of 4 stars). 2 submissions from 2 submitters: Uncertain significance (2). Last evaluated 2022-07-03.

Conditions:
Primary ciliary dyskinesia. Also called: Ciliary dyskinesia. Identifiers: Orphanet 244, MedGen C0008780, MONDO:0016575, HP:0012265.

Allele frequency attached by ClinVar (database versions not stated): gnomAD exomes below 0.00001; TOPMed 0.00002; gnomAD 0.00003.
gnomAD v4.1: 10 of 1,520,420 alleles (0.00066%); highest among the groups gnomAD compares: South Asian, 0.0025%; no homozygotes.

Submissions (2):

Labcorp Genetics (formerly Invitae), Labcorp
Classification: Uncertain significance for Primary ciliary dyskinesia. Last evaluated: 2022-07-03. Review status: criteria provided, single submitter. Criteria: Invitae Variant Classification Sherloc (09022015). Collection method: clinical testing. Allele origin: germline.
Comment: In summary, the available evidence is currently insufficient to determine the role of this variant in disease. Therefore, it has been classified as a Variant of Uncertain Significance. Algorithms developed to predict the effect of missense changes on protein structure and function (SIFT, PolyPhen-2, Align-GVGD) all suggest that this variant is likely to be tolerated. ClinVar contains an entry for this variant (Variation ID: 1390631). This variant has not been reported in the literature in individuals affected with DNAAF2-related conditions. This variant is present in population databases (no rsID available, gnomAD 0.01%). This sequence change replaces glutamic acid, which is acidic and polar, with lysine, which is basic and polar, at codon 368 of the DNAAF2 protein (p.Glu368Lys).

Ambry Genetics
Classification: Uncertain significance for Primary ciliary dyskinesia. Last evaluated: 2021-09-20. Review status: criteria provided, single submitter. Criteria: Ambry Variant Classification Scheme 2023. Collection method: clinical testing. Allele origin: germline.
Comment: The p.E368K variant (also known as c.1102G>A), located in coding exon 1 of the DNAAF2 gene, results from a G to A substitution at nucleotide position 1102. The glutamic acid at codon 368 is replaced by lysine, an amino acid with similar properties. This amino acid position is conserved. In addition, this alteration is predicted to be tolerated by in silico analysis. Since supporting evidence is limited at this time, the clinical significance of this alteration remains unclear.

NM_018139.3(DNAAF2):c.1102G>A (p.Glu368Lys)

Genes: DNAAF2 (dynein axonemal assembly factor 2; minus strand), LOC130055542 (ATAC-STARR-seq lymphoblastoid silent region 5699; plus strand). Cytogenetic location: 14q21.3.
Variant type: single nucleotide variant.
Coding change: c.1102G>A on transcript NM_018139.3 (MANE Select); coding-DNA position 1102, G replaced by A.
Protein change: p.Glu368Lys; replaces glutamic acid 368 with lysine.
Molecular consequence: missense variant.
Genome position (GRCh38, 1-based): chr14:49,634,048, C>T on the plus strand (G>A on the coding strand, the complement: DNAAF2 is on the minus strand). VCF-style: chr14-49634048-C-T. GRCh37 (hg19) VCF-style: chr14-50100766-C-T.
Other names: c.1102G>A, p.Glu368Lys (NM_001083908.2); short protein forms E368K.
Identifiers: ClinVar variation 1390631 (VCV001390631.6), dbSNP rs1165233490, ClinGen allele CA389629482.
Genomic context (GRCh38, chr14:49,634,048, plus strand): 5'-CCTCCCCCTCGCGAGCGGAAGCGCAGGCCTGGCCGTCAGTTCCGGACCGGTCCGCGGACT[C>T]TTCCGGCGCGGCGGCGGCGACGGCGACAGCGGGCTCCCGGCGCGCGGCCGGCAGCACCAC-3'
Protein context (NP_060609.2, residues 358-378): AVAVAAAAPE[Glu368Lys]SADRSGTDGQ